The following is an entry in ClinVar:

NM_002471.4(MYH6):c.2802G>A (p.Met934Ile)

Gene: MYH6 (myosin heavy chain 6; minus strand). Cytogenetic location: 14q11.2.
Variant type: single nucleotide variant.
Coding change: c.2802G>A on transcript NM_002471.4 (MANE Select); coding-DNA position 2802, G replaced by A.
Protein change: p.Met934Ile; replaces methionine 934 with isoleucine.
Molecular consequence: missense variant.
Genome position (GRCh38, 1-based): chr14:23,393,792, C>T on the plus strand (G>A on the coding strand, the complement: MYH6 is on the minus strand). VCF-style: chr14-23393792-C-T. GRCh37 (hg19) VCF-style: chr14-23863001-C-T.
Other names: short protein forms M934I.
Identifiers: ClinVar variation 3363244 (VCV003363244.1).

ClinVar aggregate classification (germline): Uncertain significance (1 of 4 stars; one submission).

gnomAD v4.1: 7 of 1,614,226 alleles (0.00043%); highest among the groups gnomAD compares: South Asian, 0.0077%; no homozygotes.

Submission:

GeneDx
Classification: Uncertain significance. Last evaluated: 2023-10-20. Review status: criteria provided, single submitter. Criteria: GeneDx Variant Classification Process June 2021. Collection method: clinical testing. Allele origin: germline. Affected: yes.
Comment: Not observed at significant frequency in large population cohorts (gnomAD); In silico analysis supports that this missense variant does not alter protein structure/function; Has not been previously published as pathogenic or benign to our knowledge